The following is an entry in ClinVar:

NM_000375.3(UROS):c.448A>G (p.Ile150Val)

Gene: UROS (uroporphyrinogen III synthase; minus strand). Cytogenetic location: 10q26.2.
Variant type: single nucleotide variant.
Coding change: c.448A>G on transcript NM_000375.3 (MANE Select); coding-DNA position 448, A replaced by G.
Protein change: p.Ile150Val; replaces isoleucine 150 with valine.
Molecular consequence: missense variant. On other transcripts: non-coding transcript variant (4), intron variant (2).
Genome position (GRCh38, 1-based): chr10:125,798,092, T>C on the plus strand (A>G on the coding strand, the complement: UROS is on the minus strand). VCF-style: chr10-125798092-T-C. GRCh37 (hg19) VCF-style: chr10-127486661-T-C.
Other names: c.448A>G, p.Ile150Val (NM_001324036.2); c.395-1904A>G (NM_001324038.2, NM_001324037.2); short protein forms I150V.
Identifiers: ClinVar variation 3978134 (VCV003978134.2).

ClinVar aggregate classification (germline): Uncertain significance. Review status: criteria provided, multiple submitters, no conflicts (2 of 4 stars). 2 submissions from 2 submitters: Uncertain significance (2). Last evaluated 2026-09-18.

Conditions:
UROS-related disorder. Also called: UROS-related condition.
Inborn genetic diseases. Identifiers: MedGen C0950123, MeSH D030342.

gnomAD v4.1: 52 of 1,613,940 alleles (0.0032%); highest among the groups gnomAD compares: Non-Finnish European, 0.0038%; no homozygotes.

Submissions (2):

PreventionGenetics, part of Exact Sciences
Classification: Uncertain significance for UROS-related condition. Last evaluated: 2026-09-18. Review status: criteria provided, single submitter. Criteria: ACMG Guidelines, 2015. Collection method: clinical testing. Allele origin: germline.
Comment: The UROS c.448A>G variant is predicted to result in the amino acid substitution p.Ile150Val. To our knowledge, this variant has not been reported in the literature. This variant is reported in 0.0062% of alleles in individuals of African descent in gnomAD. At this time, the clinical significance of this variant is uncertain due to the absence of conclusive functional and genetic evidence.

Ambry Genetics
Classification: Uncertain significance for Inborn genetic diseases. Last evaluated: 2025-03-17. Review status: criteria provided, single submitter. Criteria: Ambry Variant Classification Scheme 2023. Collection method: clinical testing. Allele origin: germline.